The following is an entry in ClinVar:

NM_000368.5(TSC1):c.2881G>A (p.Glu961Lys)

Gene: TSC1 (TSC complex subunit 1; minus strand). Cytogenetic location: 9q34.13.
Variant type: single nucleotide variant.
Coding change: c.2881G>A on transcript NM_000368.5 (MANE Select); coding-DNA position 2881, G replaced by A.
Protein change: p.Glu961Lys; replaces glutamic acid 961 with lysine.
Molecular consequence: missense variant.
Genome position (GRCh38, 1-based): chr9:132,897,278, C>T on the plus strand (G>A on the coding strand, the complement: TSC1 is on the minus strand). VCF-style: chr9-132897278-C-T. GRCh37 (hg19) VCF-style: chr9-135772665-C-T.
Other names: c.2836G>A, p.Glu946Lys (NM_001406609.1, NM_001406608.1); c.2728G>A, p.Glu910Lys (NM_001406610.1, NM_001162427.2); c.2725G>A, p.Glu909Lys (NM_001406611.1, NM_001406612.1); c.2683G>A, p.Glu895Lys (NM_001406613.1); c.2518G>A, p.Glu840Lys (NM_001406614.1, NM_001406615.1, NM_001406616.1 and 4 more transcripts); c.2878G>A, p.Glu960Lys (NM_001162426.2, NM_001406597.1, NM_001406598.1 and 2 more transcripts); c.2881G>A, p.Glu961Lys (NM_001406592.1, NM_001406593.1, NM_001406594.1 and 2 more transcripts); c.2866G>A, p.Glu956Lys (NM_001406601.1, NM_001406602.1); and 8 more; short protein forms E909K, E910K, E946K, E644K, E840K, E960K, E961K, E610K.
Identifiers: ClinVar variation 1998910 (VCV001998910.1), dbSNP rs2538479565, ClinGen allele CA375368798.

ClinVar aggregate classification (germline): Uncertain significance (1 of 4 stars; one submission).

Conditions:
Tuberous sclerosis 1 (TSC1). Identifiers: Orphanet 805, MedGen C1854465, MONDO:0008612, OMIM 191100.

Submission:

Labcorp Genetics (formerly Invitae), Labcorp
Classification: Uncertain significance for Tuberous sclerosis 1. Last evaluated: 2022-05-25. Review status: criteria provided, single submitter. Criteria: Invitae Variant Classification Sherloc (09022015). Collection method: clinical testing. Allele origin: germline.
Comment: This sequence change replaces glutamic acid, which is acidic and polar, with lysine, which is basic and polar, at codon 961 of the TSC1 protein (p.Glu961Lys). This variant is not present in population databases (gnomAD no frequency). This variant has not been reported in the literature in individuals affected with TSC1-related conditions. Algorithms developed to predict the effect of missense changes on protein structure and function output the following: SIFT: "Tolerated"; PolyPhen-2: "Benign"; Align-GVGD: "Class C0". The lysine amino acid residue is found in multiple mammalian species, which suggests that this missense change does not adversely affect protein function. Algorithms developed to predict the effect of sequence changes on RNA splicing suggest that this variant may create or strengthen a splice site. In summary, the available evidence is currently insufficient to determine the role of this variant in disease. Therefore, it has been classified as a Variant of Uncertain Significance.